The following is an entry in ClinVar:

NM_025136.4(OPA3):c.143-174C>T

Genes: OPA3 (outer mitochondrial membrane lipid metabolism regulator OPA3; minus strand), OPA3-RTN2 (OPA3-RTN2 readthrough; minus strand). Cytogenetic location: 19q13.32.
Variant type: single nucleotide variant.
Coding change: c.143-174C>T on transcript NM_025136.4 (MANE Select); 174 bases into the intron before coding-DNA position 143, C replaced by T.
Molecular consequence: intron variant.
Genome position (GRCh38, 1-based): chr19:45,554,085, G>A on the plus strand (C>T on the coding strand, the complement: OPA3 is on the minus strand). VCF-style: chr19-45554085-G-A. GRCh37 (hg19) VCF-style: chr19-46057343-G-A.
Other names: c.143-24629C>T (NM_001017989.3).
Identifiers: ClinVar variation 675500 (VCV000675500.1), dbSNP rs34508139, ClinGen allele CA308959351.
Genomic context (GRCh38, chr19:45,554,085, plus strand): 5'-ACCAGATGATTCTAGCGAGCAGCCAGGAATAAGAAACACTGCCCCAGAAGGGAGGTCCTC[G>A]GACTTGAGGGGCCGCGCCCCAAGAGGGACACCAGGAGCTTCCACAGCGCCAAGTTCATGG-3'

ClinVar aggregate classification (germline): Likely benign (1 of 4 stars; one submission).

Allele frequency attached by ClinVar (database versions not stated): 1000 Genomes Project 0.01378; 1000 Genomes Project 30x 0.01405; gnomAD 0.01902 and 0.01940; TOPMed 0.01904.
gnomAD v4.1: 2,997 of 152,266 alleles (2%); highest among the groups gnomAD compares: South Asian, 3.6%; 43 homozygotes.

Submission:

GeneDx
Classification: Likely benign. Last evaluated: 2018-06-14. Review status: criteria provided, single submitter. Criteria: GeneDx Variant Classification (06012015). Collection method: clinical testing. Allele origin: germline. Affected: yes.
Comment: This variant is considered likely benign or benign based on one or more of the following criteria: it is a conservative change, it occurs at a poorly conserved position in the protein, it is predicted to be benign by multiple in silico algorithms, and/or has population frequency not consistent with disease.